The following is an entry in ClinVar:

ClinVar aggregate classification (germline): Uncertain significance (1 of 4 stars; one submission).

gnomAD v4.1: 56 of 1,613,980 alleles (0.0035%); highest among the groups gnomAD compares: Non-Finnish European, 0.0039%; no homozygotes.

Submission:

Labcorp Genetics (formerly Invitae), Labcorp
Classification: Uncertain significance. Last evaluated: 2025-03-17. Review status: criteria provided, single submitter. Criteria: Invitae Variant Classification Sherloc (09022015). Collection method: clinical testing. Allele origin: germline.
Comment: This sequence change replaces alanine, which is neutral and non-polar, with serine, which is neutral and polar, at codon 85 of the IFT43 protein (p.Ala85Ser). This variant is present in population databases (rs150373788, gnomAD 0.004%). This variant has not been reported in the literature in individuals affected with IFT43-related conditions. ClinVar contains an entry for this variant (Variation ID: 1056704). An algorithm developed to predict the effect of missense changes on protein structure and function (PolyPhen-2) suggests that this variant is likely to be tolerated. Algorithms developed to predict the effect of sequence changes on RNA splicing suggest that this variant may disrupt the consensus splice site. In summary, the available evidence is currently insufficient to determine the role of this variant in disease. Therefore, it has been classified as a Variant of Uncertain Significance.

NM_001102564.3(IFT43):c.296-5661G>T

Gene: IFT43 (intraflagellar transport 43; plus strand). Cytogenetic location: 14q24.3.
Variant type: single nucleotide variant.
Coding change: c.296-5661G>T on transcript NM_001102564.3 (MANE Select); 5661 bases into the intron before coding-DNA position 296, G replaced by T.
Molecular consequence: intron variant. On other transcripts: missense variant (1).
Genome position (GRCh38, 1-based): chr14:76,076,634, G>T. VCF-style: chr14-76076634-G-T. GRCh37 (hg19) VCF-style: chr14-76542977-G-T.
Other names: c.253G>T, p.Ala85Ser (NM_052873.3); short protein forms A85S.
Identifiers: ClinVar variation 1056704 (VCV001056704.8), dbSNP rs150373788, ClinGen allele CA7280792.
Genomic context (GRCh38, chr14:76,076,634, plus strand): 5'-TAAGAAGTCACTTTCTGTTCTAGCGGTACCCAAACAGGCAAACAACAGCTGGATCTGAAC[G>T]CATGCTATCACAAAACGCATCACAGAGATTTGGGGCTGGCTTCATTGGAAGAGGCAGGTA-3'